The following is an entry in ClinVar:

NM_001105206.3(LAMA4):c.2850G>A (p.Pro950=)

Genes: LAMA4 (laminin subunit alpha 4; minus strand), LOC126859766 (MED14-independent group 3 enhancer GRCh37_chr6:112462018-112463217; plus strand). Cytogenetic location: 6q21.
Variant type: single nucleotide variant.
Coding change: c.2850G>A on transcript NM_001105206.3 (MANE Select); coding-DNA position 2850, G replaced by A.
Protein change: p.Pro950=; no amino-acid change (proline 950 retained).
Molecular consequence: synonymous variant.
Genome position (GRCh38, 1-based): chr6:112,140,886, C>T on the plus strand (G>A on the coding strand, the complement: LAMA4 is on the minus strand). VCF-style: chr6-112140886-C-T. GRCh37 (hg19) VCF-style: chr6-112462088-C-T.
Other names: c.2829G>A, p.Pro943= (NM_001105207.3, NM_002290.5); c.2829G>A (LRG_433t2).
Identifiers: ClinVar variation 514567 (VCV000514567.12), dbSNP rs368741631, ClinGen allele CA3965367.

ClinVar aggregate classification (germline): Likely benign. Review status: criteria provided, multiple submitters, no conflicts (2 of 4 stars). 3 submissions from 3 submitters: Likely benign (3). Last evaluated 2025-11-05.

Conditions:
Dilated cardiomyopathy 1JJ (CMD1JJ). Identifiers: Orphanet 154, MedGen C3808935, MONDO:0014095, OMIM 615235.
Cardiovascular phenotype. Identifiers: MedGen CN230736.

Allele frequency attached by ClinVar (database versions not stated): TOPMed 0.00019; ExAC 0.00004; gnomAD exomes 0.00004; ESP Exome Variant Server 0.00008; gnomAD 0.00013 and 0.00014.
gnomAD v4.1: 74 of 1,613,826 alleles (0.0046%); highest among the groups gnomAD compares: African/African-American, 0.036%; no homozygotes.

Submissions (3):

Labcorp Genetics (formerly Invitae), Labcorp
Classification: Likely benign for Dilated cardiomyopathy 1JJ. Last evaluated: 2025-11-05. Review status: criteria provided, single submitter. Criteria: Invitae Variant Classification Sherloc (09022015). Collection method: clinical testing. Allele origin: germline.

Ambry Genetics
Classification: Likely benign for Cardiovascular phenotype. Last evaluated: 2019-08-30. Review status: criteria provided, single submitter. Criteria: Ambry Variant Classification Scheme 2023. Collection method: clinical testing. Allele origin: germline.

GeneDx
Classification: Likely benign. Last evaluated: 2018-01-08. Review status: criteria provided, single submitter. Criteria: GeneDx Variant Classification (06012015). Collection method: clinical testing. Allele origin: germline. Affected: yes.
Comment: This variant is considered likely benign or benign based on one or more of the following criteria: it is a conservative change, it occurs at a poorly conserved position in the protein, it is predicted to be benign by multiple in silico algorithms, and/or has population frequency not consistent with disease.